The following is an entry in ClinVar:

ClinVar aggregate classification (germline): Uncertain significance (1 of 4 stars; one submission).

Conditions:
Cohen syndrome (COH1). Also called: Cutis verticis gyrata, retinitis pigmentosa, and sensorineural deafness; PEPPER SYNDROME. Identifiers: Orphanet 193, MedGen C0265223, MONDO:0008999, OMIM 216550.

Submission:

Labcorp Genetics (formerly Invitae), Labcorp
Classification: Uncertain significance for Cohen syndrome. Last evaluated: 2022-04-12. Review status: criteria provided, single submitter. Criteria: Invitae Variant Classification Sherloc (09022015). Collection method: clinical testing. Allele origin: germline.
Comment: Algorithms developed to predict the effect of missense changes on protein structure and function are either unavailable or do not agree on the potential impact of this missense change (SIFT: "Not Available"; PolyPhen-2: "Benign"; Align-GVGD: "Not Available"). In summary, the available evidence is currently insufficient to determine the role of this variant in disease. Therefore, it has been classified as a Variant of Uncertain Significance. This variant has not been reported in the literature in individuals affected with VPS13B-related conditions. This variant is not present in population databases (gnomAD no frequency). This sequence change replaces serine, which is neutral and polar, with arginine, which is basic and polar, at codon 4007 of the VPS13B protein (p.Ser4007Arg).

NM_152564.5(VPS13B):c.11944A>C (p.Ser3982Arg)

Gene: VPS13B (vacuolar protein sorting 13 homolog B; plus strand). Cytogenetic location: 8q22.2.
Variant type: single nucleotide variant.
Coding change: c.11944A>C on transcript NM_152564.5 (MANE Select); coding-DNA position 11944, A replaced by C.
Protein change: p.Ser3982Arg; replaces serine 3982 with arginine.
Molecular consequence: missense variant.
Genome position (GRCh38, 1-based): chr8:99,875,616, A>C. VCF-style: chr8-99875616-A-C. GRCh37 (hg19) VCF-style: chr8-100887844-A-C.
Other names: c.12019A>C, p.Ser4007Arg (NM_017890.5); short protein forms S3982R, S4007R.
Identifiers: ClinVar variation 2125081 (VCV002125081.4), dbSNP rs1817664208, ClinGen allele CA371796126.